The following is an entry in ClinVar:

ClinVar aggregate classification (germline): Uncertain significance. Review status: criteria provided, multiple submitters, no conflicts (2 of 4 stars). 2 submissions from 2 submitters: Uncertain significance (2). Last evaluated 2022-10-26.

Conditions:
Inborn genetic diseases. Identifiers: MedGen C0950123, MeSH D030342.

Allele frequency attached by ClinVar (database versions not stated): gnomAD exomes 0.00001.
gnomAD v4.1: 12 of 1,614,222 alleles (0.00074%); highest among the groups gnomAD compares: Non-Finnish European, 0.00085%; no homozygotes.

Submissions (2):

Ambry Genetics
Classification: Uncertain significance for Inborn genetic diseases. Last evaluated: 2022-10-26. Review status: criteria provided, single submitter. Criteria: Ambry Variant Classification Scheme 2023. Collection method: clinical testing. Allele origin: germline.

Labcorp Genetics (formerly Invitae), Labcorp
Classification: Uncertain significance. Last evaluated: 2022-04-08. Review status: criteria provided, single submitter. Criteria: Invitae Variant Classification Sherloc (09022015). Collection method: clinical testing. Allele origin: germline.
Comment: This variant has not been reported in the literature in individuals affected with FAT4-related conditions. This variant is not present in population databases (gnomAD no frequency). This sequence change replaces leucine, which is neutral and non-polar, with isoleucine, which is neutral and non-polar, at codon 3762 of the FAT4 protein (p.Leu3762Ile). Advanced modeling of protein sequence and biophysical properties (such as structural, functional, and spatial information, amino acid conservation, physicochemical variation, residue mobility, and thermodynamic stability) performed at Invitae indicates that this missense variant is not expected to disrupt FAT4 protein function. In summary, the available evidence is currently insufficient to determine the role of this variant in disease. Therefore, it has been classified as a Variant of Uncertain Significance.

NM_001291303.3(FAT4):c.11290C>A (p.Leu3764Ile)

Gene: FAT4 (FAT atypical cadherin 4; plus strand). Cytogenetic location: 4q28.1.
Variant type: single nucleotide variant.
Coding change: c.11290C>A on transcript NM_001291303.3 (MANE Select); coding-DNA position 11290, C replaced by A.
Protein change: p.Leu3764Ile; replaces leucine 3764 with isoleucine.
Molecular consequence: missense variant.
Genome position (GRCh38, 1-based): chr4:125,452,300, C>A. VCF-style: chr4-125452300-C-A. GRCh37 (hg19) VCF-style: chr4-126373455-C-A.
Other names: c.11290C>A, p.Leu3764Ile (NM_001291285.3); c.11284C>A, p.Leu3762Ile (NM_024582.6); short protein forms L3762I, L3764I.
Identifiers: ClinVar variation 1918901 (VCV001918901.4), dbSNP rs1726116554, ClinGen allele CA358162097.